The following is an entry in ClinVar:

NM_001127222.2(CACNA1A):c.3071G>C (p.Arg1024Pro)

Gene: CACNA1A (calcium voltage-gated channel subunit alpha1 A; minus strand). Cytogenetic location: 19p13.13.
Variant type: single nucleotide variant.
Coding change: c.3071G>C on transcript NM_001127222.2 (MANE Select); coding-DNA position 3071, G replaced by C.
Protein change: p.Arg1024Pro; replaces arginine 1024 with proline.
Molecular consequence: missense variant.
Genome position (GRCh38, 1-based): chr19:13,298,562, C>G on the plus strand (G>C on the coding strand, the complement: CACNA1A is on the minus strand). VCF-style: chr19-13298562-C-G. GRCh37 (hg19) VCF-style: chr19-13409376-C-G.
Other names: c.3083G>C, p.Arg1028Pro (NM_000068.4, NM_023035.3); c.3074G>C, p.Arg1025Pro (NM_001127221.2, NM_001174080.2); short protein forms R1024P, R1025P, R1028P.
Identifiers: ClinVar variation 3748304 (VCV003748304.3).

ClinVar aggregate classification (germline): Uncertain significance. Review status: criteria provided, multiple submitters, no conflicts (2 of 4 stars). 2 submissions from 2 submitters: Uncertain significance (2). Last evaluated 2024-11-27.

Conditions:
Episodic ataxia type 2 (EA2). Also called: ACETAZOLAMIDE-RESPONSIVE HEREDITARY PAROXYSMAL CEREBELLAR ATAXIA; ATAXIA, EPISODIC, WITH NYSTAGMUS; ATAXIA, FAMILIAL PAROXYSMAL; CEREBELLAR ATAXIA, PAROXYSMAL, ACETAZOLAMIDE-RESPONSIVE; CEREBELLOPATHY, HEREDITARY PAROXYSMAL; EPISODIC ATAXIA, NYSTAGMUS-ASSOCIATED. Identifiers: Orphanet 97, MedGen C1720416, MONDO:0007163, OMIM 108500.
Developmental and epileptic encephalopathy, 42 (DEE42A). Also called: Epileptic encephalopathy, early infantile, 42; DEVELOPMENTAL AND EPILEPTIC ENCEPHALOPATHY 42A; EPILEPTIC ENCEPHALOPATHY, EARLY INFANTILE, 42A. Identifiers: MedGen C4310716, MONDO:0014917, OMIM 617106.

gnomAD v4.1: 1 of 1,543,392 alleles (0.000065%); highest among the groups gnomAD compares: Non-Finnish European, 0.000087%; no homozygotes.

Submissions (2):

GeneDx
Classification: Uncertain significance. Last evaluated: 2024-11-27. Review status: criteria provided, single submitter. Criteria: GeneDx Variant Classification Process June 2021. Collection method: clinical testing. Allele origin: germline. Affected: yes.
Comment: Not observed at significant frequency in large population cohorts (gnomAD); In silico analysis supports that this missense variant has a deleterious effect on protein structure/function; Has not been previously published as pathogenic or benign to our knowledge

Labcorp Genetics (formerly Invitae), Labcorp
Classification: Uncertain significance for Developmental and epileptic encephalopathy, 42; Episodic ataxia type 2. Last evaluated: 2024-07-19. Review status: criteria provided, single submitter. Criteria: Invitae Variant Classification Sherloc (09022015). Collection method: clinical testing. Allele origin: germline.
Comment: This sequence change replaces arginine, which is basic and polar, with proline, which is neutral and non-polar, at codon 1025 of the CACNA1A protein (p.Arg1025Pro). This variant is not present in population databases (gnomAD no frequency). This variant has not been reported in the literature in individuals affected with CACNA1A-related conditions. Advanced modeling of protein sequence and biophysical properties (such as structural, functional, and spatial information, amino acid conservation, physicochemical variation, residue mobility, and thermodynamic stability) performed at Invitae indicates that this missense variant is not expected to disrupt CACNA1A protein function with a negative predictive value of 95%. In summary, the available evidence is currently insufficient to determine the role of this variant in disease. Therefore, it has been classified as a Variant of Uncertain Significance.